The following is an entry in ClinVar:

ClinVar aggregate classification (germline): Uncertain significance (1 of 4 stars; one submission).

Conditions:
Gorlin syndrome. Also called: Basal cell nevus syndrome; Nevoid Basal Cell Carcinoma Syndrome. Identifiers: Orphanet 377, MedGen C0004779, MONDO:0007187.

Submission:

Labcorp Genetics (formerly Invitae), Labcorp
Classification: Uncertain significance for Gorlin syndrome. Last evaluated: 2021-12-06. Review status: criteria provided, single submitter. Criteria: Invitae Variant Classification Sherloc (09022015). Collection method: clinical testing. Allele origin: germline.
Comment: In summary, the available evidence is currently insufficient to determine the role of this variant in disease. Therefore, it has been classified as a Variant of Uncertain Significance. Advanced modeling of protein sequence and biophysical properties (such as structural, functional, and spatial information, amino acid conservation, physicochemical variation, residue mobility, and thermodynamic stability) performed at Invitae indicates that this missense variant is not expected to disrupt PTCH1 protein function. This variant has not been reported in the literature in individuals affected with PTCH1-related conditions. This variant is not present in population databases (gnomAD no frequency). This sequence change replaces threonine, which is neutral and polar, with isoleucine, which is neutral and non-polar, at codon 537 of the PTCH1 protein (p.Thr537Ile).

NM_000264.5(PTCH1):c.1610C>T (p.Thr537Ile)

Gene: PTCH1 (patched 1; minus strand). Cytogenetic location: 9q22.32.
Variant type: single nucleotide variant.
Coding change: c.1610C>T on transcript NM_000264.5 (MANE Select); coding-DNA position 1610, C replaced by T.
Protein change: p.Thr537Ile; replaces threonine 537 with isoleucine.
Molecular consequence: missense variant. On other transcripts: non-coding transcript variant (1).
Genome position (GRCh38, 1-based): chr9:95,476,152, G>A on the plus strand (C>T on the coding strand, the complement: PTCH1 is on the minus strand). VCF-style: chr9-95476152-G-A. GRCh37 (hg19) VCF-style: chr9-98238434-G-A.
Other names: c.1412C>T, p.Thr471Ile (NM_001083602.3); c.1607C>T, p.Thr536Ile (NM_001083603.3); c.1157C>T, p.Thr386Ile (NM_001083604.3, NM_001083605.3, NM_001083606.3 and 1 more transcripts); c.1454C>T, p.Thr485Ile (NM_001354918.2); short protein forms T386I, T537I, T485I, T471I, T536I.
Identifiers: ClinVar variation 1515373 (VCV001515373.6), dbSNP rs2118261336, ClinGen allele CA374118112.